The following is an entry in ClinVar:

NM_005458.8(GABBR2):c.859C>A (p.Pro287Thr)

Gene: GABBR2 (gamma-aminobutyric acid type B receptor subunit 2; minus strand). Cytogenetic location: 9q22.33.
Variant type: single nucleotide variant.
Coding change: c.859C>A on transcript NM_005458.8 (MANE Select); coding-DNA position 859, C replaced by A.
Protein change: p.Pro287Thr; replaces proline 287 with threonine.
Molecular consequence: missense variant.
Genome position (GRCh38, 1-based): chr9:98,473,286, G>T on the plus strand (C>A on the coding strand, the complement: GABBR2 is on the minus strand). VCF-style: chr9-98473286-G-T. GRCh37 (hg19) VCF-style: chr9-101235568-G-T.
Other names: c.859C>A (NM_005458.7); short protein forms P287T.
Identifiers: ClinVar variation 1447802 (VCV001447802.6), dbSNP rs1826721917, ClinGen allele CA374351535.

ClinVar aggregate classification (germline): Uncertain significance. Review status: criteria provided, multiple submitters, no conflicts (2 of 4 stars). 2 submissions from 2 submitters: Uncertain significance (2). Last evaluated 2023-02-06.

Conditions:
Epileptic encephalopathy. Identifiers: MedGen C0543888, HP:0200134.
GABBR2-related disorder. Also called: GABBR2-related disorders; GABBR2-related condition.

Submissions (2):

PreventionGenetics, part of Exact Sciences
Classification: Uncertain significance for GABBR2-related condition. Last evaluated: 2023-02-06. Review status: criteria provided, single submitter. Criteria: ACMG Guidelines, 2015. Collection method: clinical testing. Allele origin: germline.
Comment: The GABBR2 c.859C>A variant is predicted to result in the amino acid substitution p.Pro287Thr. To our knowledge, this variant has not been reported in the literature or in a large population database, indicating this variant is rare. At this time, the clinical significance of this variant is uncertain due to the absence of conclusive functional and genetic evidence.

Labcorp Genetics (formerly Invitae), Labcorp
Classification: Uncertain significance for Epileptic encephalopathy. Last evaluated: 2021-10-27. Review status: criteria provided, single submitter. Criteria: Invitae Variant Classification Sherloc (09022015). Collection method: clinical testing. Allele origin: germline.
Comment: In summary, the available evidence is currently insufficient to determine the role of this variant in disease. Therefore, it has been classified as a Variant of Uncertain Significance. Algorithms developed to predict the effect of missense changes on protein structure and function (SIFT, PolyPhen-2, Align-GVGD) all suggest that this variant is likely to be tolerated. This variant has not been reported in the literature in individuals affected with GABBR2-related conditions. This variant is not present in population databases (gnomAD no frequency). This sequence change replaces proline, a(n) neutral and non-polar amino acid, with threonine, a(n) neutral and polar amino acid, at codon 287 of the GABBR2 protein (p.Pro287Thr).